The following is an entry in ClinVar:

ClinVar aggregate classification (germline): Likely pathogenic (1 of 4 stars; one submission).

Conditions:
Cystic fibrosis (CF). Also called: MUCOVISCIDOSIS. Identifiers: Orphanet 586, MedGen C0010674, MONDO:0009061, OMIM 219700. Disease mechanism: loss of function.

Submission:

Institute of Human Genetics, University of Leipzig Medical Center
Classification: Likely pathogenic for Cystic fibrosis. Last evaluated: 2022-09-05. Review status: criteria provided, single submitter. Criteria: ACMG Guidelines, 2015. Collection method: curation. Allele origin: unknown. Affected: yes. Observed: 1 variant allele.
Comment: The variant was classified in the context of a project re-classifying variants in the German Cystic Fibrosis Registry (Muko.e.V.). Criteria applied: PVS1_STR, PM2_SUP, PM3, PP4

NM_000492.4:c.(273+1_274-1)_(1209+1_1210-1)del

Gene: CFTR (CF transmembrane conductance regulator; plus strand).
Variant type: Deletion.
Other names: CFTRdele4-8; c.(273+1_274-1)_(1209+1_1210-1)del (NM_000492.4).
Identifiers: ClinVar variation 1706037 (VCV001706037.1).